The following is an entry in ClinVar:

ClinVar aggregate classification (germline): Pathogenic (1 of 4 stars; one submission).

Submission:

Labcorp Genetics (formerly Invitae), Labcorp
Classification: Pathogenic. Last evaluated: 2025-04-28. Review status: criteria provided, single submitter. Criteria: Invitae Variant Classification Sherloc (09022015). Collection method: clinical testing. Allele origin: germline.
Comment: This sequence change creates a premature translational stop signal (p.Gly335Valfs*45) in the USH1G gene. It is expected to result in an absent or disrupted protein product. Loss-of-function variants in USH1G are known to be pathogenic (PMID: 12588794, 22219650). This variant is not present in population databases (gnomAD no frequency). This variant has not been reported in the literature in individuals affected with USH1G-related conditions. ClinVar contains an entry for this variant (Variation ID: 2709087). For these reasons, this variant has been classified as Pathogenic.

Literature cited by the submitters: PubMed 12588794; PubMed 22219650.

NM_173477.5(USH1G):c.1004del (p.Gly335fs)

Gene: USH1G (USH1 protein network component sans; minus strand). Cytogenetic location: 17q25.1.
Variant type: Deletion.
Coding change: c.1004del on transcript NM_173477.5 (MANE Select); coding-DNA position 1004, one base deleted (G; older notation c.1004delG).
Protein change: p.Gly335fs; shifts the reading frame from glycine 335.
Molecular consequence: frameshift variant.
Genome position (GRCh38, 1-based): chr17:74,919,832, C deleted on the plus strand (G on the coding strand, the reverse complement: USH1G is on the minus strand); the first of 5 consecutive C bases (chr17:74,919,832-74,919,836); deleting any one gives the same sequence. VCF-style (leftmost placement, unchanged base first): chr17-74919831-AC-A. GRCh37 (hg19) VCF-style: chr17-72915926-AC-A.
Other names: c.695del, p.Gly232fs (NM_001282489.3); short protein forms G232fs, G335fs.
Identifiers: ClinVar variation 2709087 (VCV002709087.3), dbSNP rs1359109336, ClinGen allele CA2697555153.